The following is an entry in ClinVar:

ClinVar aggregate classification (germline): Uncertain significance (1 of 4 stars; one submission).

Conditions:
Neuromuscular disease caused by qualitative or quantitative defects of dysferlin. Also called: Qualitative or quantitative defects of dysferlin; Dysferlinopathy. Identifiers: Orphanet 207073, MedGen C2931687, MONDO:0016145.

gnomAD v4.1: 1 of 1,614,118 alleles (0.000062%); highest among the groups gnomAD compares: Non-Finnish European, 0.000085%; no homozygotes.

Submission:

Labcorp Genetics (formerly Invitae), Labcorp
Classification: Uncertain significance for Neuromuscular disease caused by qualitative or quantitative defects of dysferlin. Last evaluated: 2022-08-03. Review status: criteria provided, single submitter. Criteria: Invitae Variant Classification Sherloc (09022015). Collection method: clinical testing. Allele origin: germline.
Comment: This sequence change replaces threonine, which is neutral and polar, with isoleucine, which is neutral and non-polar, at codon 2029 of the DYSF protein (p.Thr2029Ile). This variant is not present in population databases (gnomAD no frequency). This variant has not been reported in the literature in individuals affected with DYSF-related conditions. Advanced modeling of protein sequence and biophysical properties (such as structural, functional, and spatial information, amino acid conservation, physicochemical variation, residue mobility, and thermodynamic stability) performed at Invitae indicates that this missense variant is not expected to disrupt DYSF protein function. Algorithms developed to predict the effect of sequence changes on RNA splicing suggest that this variant may create or strengthen a splice site. In summary, the available evidence is currently insufficient to determine the role of this variant in disease. Therefore, it has been classified as a Variant of Uncertain Significance.

NM_001130987.2(DYSF):c.6203C>T (p.Thr2068Ile)

Gene: DYSF (dysferlin; plus strand). Cytogenetic location: 2p13.2.
Variant type: single nucleotide variant.
Coding change: c.6203C>T on transcript NM_001130987.2 (MANE Select); coding-DNA position 6203, C replaced by T.
Protein change: p.Thr2068Ile; replaces threonine 2068 with isoleucine.
Molecular consequence: missense variant.
Genome position (GRCh38, 1-based): chr2:71,682,559, C>T. VCF-style: chr2-71682559-C-T. GRCh37 (hg19) VCF-style: chr2-71909689-C-T.
Other names: c.6089C>T, p.Thr2030Ile (NM_001130455.2); c.6044C>T, p.Thr2015Ile (NM_001130976.2); c.6107C>T, p.Thr2036Ile (NM_001130977.2); c.6149C>T, p.Thr2050Ile (NM_001130978.2); c.6179C>T, p.Thr2060Ile (NM_001130979.2); c.6137C>T, p.Thr2046Ile (NM_001130980.2); c.6200C>T, p.Thr2067Ile (NM_001130981.2); c.6182C>T, p.Thr2061Ile (NM_001130982.2); and 5 more; short protein forms T2037I, T2050I, T2060I, T2030I, T2036I, T2046I, T2029I, T2051I.
Identifiers: ClinVar variation 2115159 (VCV002115159.1), dbSNP rs1261660052, ClinGen allele CA347227008.